The following is an entry in ClinVar:

NM_012330.4(KAT6B):c.3717C>G (p.Pro1239=)

Gene: KAT6B (lysine acetyltransferase 6B; plus strand). Cytogenetic location: 10q22.2.
Variant type: single nucleotide variant.
Coding change: c.3717C>G on transcript NM_012330.4 (MANE Select); coding-DNA position 3717, C replaced by G.
Protein change: p.Pro1239=; no amino-acid change (proline 1239 retained).
Molecular consequence: synonymous variant.
Genome position (GRCh38, 1-based): chr10:75,028,541, C>G. VCF-style: chr10-75028541-C-G. GRCh37 (hg19) VCF-style: chr10-76788299-C-G.
Other names: c.3168C>G, p.Pro1056= (NM_001256468.2, NM_001370138.1); c.2841C>G, p.Pro947= (NM_001256469.2, NM_001370139.1, NM_001370140.1 and 2 more transcripts); c.2679C>G, p.Pro893= (NM_001370132.1); c.2028C>G, p.Pro676= (NM_001370133.1); c.1632C>G, p.Pro544= (NM_001370134.1); c.1374C>G, p.Pro458= (NM_001370135.1); c.3717C>G, p.Pro1239= (NM_001370136.1, NM_001370137.1); c.2652C>G, p.Pro884= (NM_001370143.1, NM_001370144.1).
Identifiers: ClinVar variation 260240 (VCV000260240.36), dbSNP rs147746065, ClinGen allele CA5564890.

ClinVar aggregate classification (germline): Likely benign. Review status: criteria provided, multiple submitters, no conflicts (2 of 4 stars). 6 submissions from 6 submitters: Likely benign (6). Last evaluated 2025-08-18.

Conditions:
Genitopatellar syndrome (GTPTS). Also called: Genitopatellar syndrome (GPS); ABSENT PATELLAE, SCROTAL HYPOPLASIA, RENAL ANOMALIES, FACIAL DYSMORPHISM, AND MENTAL RETARDATION. Identifiers: Orphanet 85201, MedGen C1853566, MONDO:0011640, OMIM 606170.
Blepharophimosis - intellectual disability syndrome, SBBYS type (SBBYSS). Also called: Say-Barber-Biesecker variant of Ohdo syndrome (SBBYSS); Ohdo syndrome, SBBYS variant; SBBYSS syndrome; Say-Barber-Biesecker-Young-Simpson variant of Ohdo Syndrome; Say-Barber-Biesecker Variant of Ohdo Syndrome; Young Simpson syndrome. Identifiers: Orphanet 3047, MedGen C1863557, MONDO:0011365, OMIM 603736.

Allele frequency attached by ClinVar (database versions not stated): TOPMed 0.00011.
gnomAD v4.1: 229 of 1,613,976 alleles (0.014%); highest among the groups gnomAD compares: Non-Finnish European, 0.018%; 1 homozygote.

Submissions (6):

Labcorp Genetics (formerly Invitae), Labcorp
Classification: Likely benign for Genitopatellar syndrome. Last evaluated: 2025-08-18. Review status: criteria provided, single submitter. Criteria: Invitae Variant Classification Sherloc (09022015). Collection method: clinical testing. Allele origin: germline.

CeGaT Center for Human Genetics Tuebingen
Classification: Likely benign. Last evaluated: 2025-02-01. Review status: criteria provided, single submitter. Criteria: CeGaT Center For Human Genetics Tuebingen Variant Classification Criteria Version 2. Collection method: clinical testing. Allele origin: germline. Affected: yes. Observed: 2 variant alleles.
Comment: KAT6B: BP4, BP7

Blueprint Genetics
Classification: Likely benign. Last evaluated: 2024-11-11. Review status: criteria provided, single submitter. Criteria: ACMG Guidelines, 2015. Collection method: clinical testing. Allele origin: germline.

Fulgent Genetics
Classification: Likely benign for Blepharophimosis - intellectual disability syndrome, SBBYS type; Genitopatellar syndrome. Last evaluated: 2021-10-04. Review status: criteria provided, single submitter. Criteria: ACMG Guidelines, 2015. Collection method: clinical testing. Allele origin: unknown.

GeneDx
Classification: Likely benign. Last evaluated: 2020-11-30. Review status: criteria provided, single submitter. Criteria: GeneDx Variant Classification Process June 2021. Collection method: clinical testing. Allele origin: germline. Affected: yes.

PreventionGenetics, part of Exact Sciences
Classification: Likely benign. Review status: criteria provided, single submitter. Criteria: ACMG Guidelines, 2015. Collection method: clinical testing. Allele origin: germline.